The following is an entry in ClinVar:

ClinVar aggregate classification (germline): Uncertain significance (1 of 4 stars; one submission).

Submission:

GeneDx
Classification: Uncertain significance. Last evaluated: 2022-08-31. Review status: criteria provided, single submitter. Criteria: GeneDx Variant Classification Process June 2021. Collection method: clinical testing. Allele origin: germline. Affected: yes.
Comment: Not observed at significant frequency in large population cohorts (gnomAD); In silico analysis supports that this missense variant has a deleterious effect on protein structure/function; Has not been previously published as pathogenic or benign to our knowledge

NM_000128.4(F11):c.1478C>G (p.Thr493Arg)

Gene: F11 (coagulation factor XI; plus strand). Cytogenetic location: 4q35.2.
Variant type: single nucleotide variant.
Coding change: c.1478C>G on transcript NM_000128.4 (MANE Select); coding-DNA position 1478, C replaced by G.
Protein change: p.Thr493Arg; replaces threonine 493 with arginine.
Molecular consequence: missense variant.
Genome position (GRCh38, 1-based): chr4:186,285,811, C>G. VCF-style: chr4-186285811-C-G. GRCh37 (hg19) VCF-style: chr4-187206965-C-G.
Other names: short protein forms T493R.
Identifiers: ClinVar variation 2442561 (VCV002442561.1), dbSNP rs1554083754, ClinGen allele CA358943730.